The following is an entry in ClinVar:

NM_000222.3(KIT):c.*66T>G

Gene: KIT (KIT proto-oncogene, receptor tyrosine kinase; plus strand). Cytogenetic location: 4q12.
Variant type: single nucleotide variant.
Coding change: c.*66T>G on transcript NM_000222.3 (MANE Select); 66 bases downstream of the stop codon, T replaced by G.
Molecular consequence: 3 prime UTR variant.
Genome position (GRCh38, 1-based): chr4:54,738,623, T>G. VCF-style: chr4-54738623-T-G. GRCh37 (hg19) VCF-style: chr4-55604789-T-G.
Other names: c.*66T>G (NM_001093772.2, NM_001385284.1, NM_001385285.1 and 4 more transcripts).
Identifiers: ClinVar variation 902988 (VCV000902988.8), dbSNP rs112972811, ClinGen allele CA96883933.

ClinVar aggregate classification (germline): Benign/Likely benign. Review status: criteria provided, multiple submitters, no conflicts (2 of 4 stars). 5 submissions from 3 submitters: Benign (2); Likely benign (3). Last evaluated 2018-06-23.

Conditions:
Piebaldism. Also called: Piebald skin depigmentation. Identifiers: Orphanet 2884, MedGen C0080024, MONDO:0008244, OMIM 172800, HP:0007544.
Mastocytosis. Also called: Mast Cell Disease. Identifiers: Orphanet 98292, MedGen C0024899, MONDO:0007950, HP:0100495.
Gastrointestinal stromal tumor. Also called: Gastrointestinal stroma tumor; Gastrointestinal stromal tumor, somatic. Identifiers: Orphanet 44890, MedGen C0238198, MeSH D046152, MONDO:0011719, OMIM 606764, HP:0100723.

Allele frequency attached by ClinVar (database versions not stated): gnomAD exomes 0.00090; 1000 Genomes Project 0.00839; gnomAD 0.00867 and 0.00939; 1000 Genomes Project 30x 0.00874; TOPMed 0.01009.
gnomAD v4.1: 2,688 of 1,590,990 alleles (0.17%); highest among the groups gnomAD compares: African/African-American, 3.1%; 51 homozygotes.

Submissions (5):

GeneDx
Classification: Likely benign. Last evaluated: 2018-06-23. Review status: criteria provided, single submitter. Criteria: GeneDx Variant Classification Process June 2021. Collection method: clinical testing. Allele origin: germline. Affected: yes.

Illumina Laboratory Services, Illumina
Classification: Benign for Gastrointestinal stromal tumor. Last evaluated: 2018-01-13. Review status: criteria provided, single submitter. Criteria: ICSL Variant Classification Criteria 13 December 2019. Collection method: clinical testing. Allele origin: germline.
Comment: This variant was observed in the ICSL laboratory as part of a predisposition screen in an ostensibly healthy population. It had not been previously curated by ICSL or reported in the Human Gene Mutation Database (HGMD: prior to June 1st, 2018), and was therefore a candidate for classification through an automated scoring system. Utilizing variant allele frequency, disease prevalence and penetrance estimates, and inheritance mode, an automated score was calculated to assess if this variant is too frequent to cause the disease. Based on the score and internal cut-off values, a variant classified as benign is not then subjected to further curation. The score for this variant resulted in a classification of benign for this disease.

Illumina Laboratory Services, Illumina
Classification: Benign for Cutaneous mastocytosis. Last evaluated: 2018-01-13. Review status: criteria provided, single submitter. Criteria: ICSL Variant Classification Criteria 13 December 2019. Collection method: clinical testing. Allele origin: germline.
Comment: the same text as in the submission from Illumina Laboratory Services, Illumina above.

Illumina Laboratory Services, Illumina
Classification: Likely benign for Piebaldism. Last evaluated: 2018-01-13. Review status: criteria provided, single submitter. Criteria: ICSL Variant Classification Criteria 13 December 2019. Collection method: clinical testing. Allele origin: germline.
Comment: This variant was observed in the ICSL laboratory as part of a predisposition screen in an ostensibly healthy population. It had not been previously curated by ICSL or reported in the Human Gene Mutation Database (HGMD: prior to June 1st, 2018), and was therefore a candidate for classification through an automated scoring system. Utilizing variant allele frequency, disease prevalence and penetrance estimates, and inheritance mode, an automated score was calculated to assess if this variant is too frequent to cause the disease. Based on the score and internal cut-off values, a variant classified as likely benign is not then subjected to further curation. The score for this variant resulted in a classification of likely benign for this disease.

Breakthrough Genomics
Classification: Likely benign. Review status: criteria provided, single submitter. Criteria: ACMG Guidelines, 2015. Collection method: not provided. Allele origin: germline. Inheritance: Autosomal dominant inheritance. Affected: yes.